The following is an entry in ClinVar:

NM_001113378.2(FANCI):c.3018G>A (p.Met1006Ile)

Gene: FANCI (FA complementation group I; plus strand). Cytogenetic location: 15q26.1.
Variant type: single nucleotide variant.
Coding change: c.3018G>A on transcript NM_001113378.2 (MANE Select); coding-DNA position 3018, G replaced by A.
Protein change: p.Met1006Ile; replaces methionine 1006 with isoleucine.
Molecular consequence: missense variant.
Genome position (GRCh38, 1-based): chr15:89,303,875, G>A. VCF-style: chr15-89303875-G-A. GRCh37 (hg19) VCF-style: chr15-89847106-G-A.
Other names: c.2739G>A, p.Met913Ile (NM_001376910.1); c.3018G>A, p.Met1006Ile (NM_001376911.1); c.2838G>A, p.Met946Ile (NM_018193.3); short protein forms M1006I, M913I, M946I.
Identifiers: ClinVar variation 3773990 (VCV003773990.1).

ClinVar aggregate classification (germline): Uncertain significance (1 of 4 stars; one submission).

Submission:

GeneDx
Classification: Uncertain significance. Last evaluated: 2024-09-19. Review status: criteria provided, single submitter. Criteria: GeneDx Variant Classification Process June 2021. Collection method: clinical testing. Allele origin: germline. Affected: yes.
Comment: In silico analysis indicates that this missense variant does not alter protein structure/function; Has not been previously published as pathogenic or benign to our knowledge